The following is an entry in ClinVar:

ClinVar aggregate classification (germline): Benign (1 of 4 stars; one submission).

Allele frequency attached by ClinVar (database versions not stated): 1000 Genomes Project 0.89497; 1000 Genomes Project 30x 0.89788; gnomAD 0.90366 and 0.90381; TOPMed 0.90376.
gnomAD v4.1: 137,390 of 152,146 alleles (90%); highest among the groups gnomAD compares: Middle Eastern, 94%; 62,111 homozygotes.

Submission:

GeneDx
Classification: Benign. Last evaluated: 2018-06-14. Review status: criteria provided, single submitter. Criteria: GeneDx Variant Classification (06012015). Collection method: clinical testing. Allele origin: germline. Affected: yes.
Comment: This variant is considered likely benign or benign based on one or more of the following criteria: it is a conservative change, it occurs at a poorly conserved position in the protein, it is predicted to be benign by multiple in silico algorithms, and/or has population frequency not consistent with disease.

NM_001199397.3(NEK1):c.2764+213C>T

Gene: NEK1 (NIMA related kinase 1; minus strand). Cytogenetic location: 4q33.
Variant type: single nucleotide variant.
Coding change: c.2764+213C>T on transcript NM_001199397.3 (MANE Select); 213 bases into the intron after coding-DNA position 2764, C replaced by T.
Molecular consequence: intron variant.
Genome position (GRCh38, 1-based): chr4:169,437,870, G>A on the plus strand (C>T on the coding strand, the complement: NEK1 is on the minus strand). VCF-style: chr4-169437870-G-A. GRCh37 (hg19) VCF-style: chr4-170359021-G-A.
Other names: c.2282-4205C>T (NM_001374421.1); c.2629+213C>T (NM_001374420.1); c.2473+213C>T (NM_001199399.3); c.2632+213C>T (NM_001199398.3); c.2680+213C>T (NM_001374419.1, NM_012224.4); c.2548+213C>T (NM_001199400.3); c.2764+213C>T (NM_001374418.1).
Identifiers: ClinVar variation 667927 (VCV000667927.1), dbSNP rs6553438, ClinGen allele CA11913128.
Genomic context (GRCh38, chr4:169,437,870, plus strand): 5'-CGAATTAGGAAAAATCACATTAGACAAGTCTTGACTCAATTCCTGGCACATAAAATCATG[G>A]TATGAAACGGTTGGTGTTTCAACACTAAGTTTTGGGGTGACTTGTTAGGCAGTCATAAAA-3'